The following is an entry in ClinVar:

ClinVar aggregate classification (germline): Uncertain significance (1 of 4 stars; one submission).

Allele frequency attached by ClinVar (database versions not stated): gnomAD 0.00001; gnomAD exomes 0.00001.
gnomAD v4.1: 3 of 1,225,144 alleles (0.00024%); highest among the groups gnomAD compares: Non-Finnish European, 0.00031%; no homozygotes.

Submission:

Labcorp Genetics (formerly Invitae), Labcorp
Classification: Uncertain significance. Last evaluated: 2021-12-08. Review status: criteria provided, single submitter. Criteria: Invitae Variant Classification Sherloc (09022015). Collection method: clinical testing. Allele origin: germline.
Comment: This sequence change replaces valine, which is neutral and non-polar, with alanine, which is neutral and non-polar, at codon 6 of the COQ9 protein (p.Val6Ala). This variant is not present in population databases (gnomAD no frequency). This variant has not been reported in the literature in individuals affected with COQ9-related conditions. Algorithms developed to predict the effect of missense changes on protein structure and function are either unavailable or do not agree on the potential impact of this missense change (SIFT: "Tolerated"; PolyPhen-2: "Not Available"; Align-GVGD: "Class C0"). In summary, the available evidence is currently insufficient to determine the role of this variant in disease. Therefore, it has been classified as a Variant of Uncertain Significance.

NM_020312.4(COQ9):c.17T>C (p.Val6Ala)

Genes: COQ9 (coenzyme Q9; plus strand), LOC112469007 (Sharpr-MPRA regulatory region 5957; plus strand). Cytogenetic location: 16q21.
Variant type: single nucleotide variant.
Coding change: c.17T>C on transcript NM_020312.4 (MANE Select); coding-DNA position 17, T replaced by C.
Protein change: p.Val6Ala; replaces valine 6 with alanine.
Molecular consequence: missense variant.
Genome position (GRCh38, 1-based): chr16:57,447,522, T>C. VCF-style: chr16-57447522-T-C. GRCh37 (hg19) VCF-style: chr16-57481434-T-C.
Other names: short protein forms V6A.
Identifiers: ClinVar variation 1944104 (VCV001944104.2), dbSNP rs1418552732, ClinGen allele CA396026373.
Genomic context (GRCh38, chr16:57,447,522, plus strand): 5'-TAGCTACCGGTCGCGTCGCCGTGGGCGACGTGCCCGCTTCCAAAATGGCGGCGGCGGCGG[T>C]ATCTGGTGCGCTTGGCCGGGCGGGCTGGAGGCTCCTGCAGCTGCGATGCCTGCCCGGTGA-3'
Protein context (NP_064708.1, residues 1-16): MAAAA[Val6Ala]SGALGRAGWR